The following is an entry in ClinVar:

NM_000219.6(KCNE1):c.202_205del (p.Ser68fs)

Gene: KCNE1 (potassium voltage-gated channel subfamily E regulatory subunit 1; minus strand). Cytogenetic location: 21q22.12.
Variant type: Deletion.
Coding change: c.202_205del on transcript NM_000219.6 (MANE Select); coding-DNA positions 202 to 205, 4 bases deleted (TCCA; older notation c.202_205delTCCA).
Protein change: p.Ser68fs; shifts the reading frame from serine 68.
Molecular consequence: frameshift variant.
Genome position (GRCh38, 1-based): chr21:34,449,430-34,449,433, TGGA deleted on the plus strand (TCCA on the coding strand, the reverse complement: KCNE1 is on the minus strand). VCF-style (leftmost placement, unchanged base first): chr21-34449429-TTGGA-T. GRCh37 (hg19) VCF-style: chr21-35821727-TTGGA-T.
Other names: c.202_205del, p.Ser68fs (NM_001127668.4, NM_001127669.4, NM_001127670.4 and 4 more transcripts); short protein forms S68fs.
Identifiers: ClinVar variation 527017 (VCV000527017.5), dbSNP rs1555843953, ClinGen allele CA658799410.

ClinVar aggregate classification (germline): Pathogenic (1 of 4 stars; one submission).

Conditions:
Long QT syndrome (LQTS). Identifiers: MedGen C0023976, MeSH D008133, MONDO:0002442. Disease mechanism: loss of function. Inheritance: Various modes of inheritance.

Submission:

Labcorp Genetics (formerly Invitae), Labcorp
Classification: Pathogenic for Long QT syndrome. Last evaluated: 2023-07-14. Review status: criteria provided, single submitter. Criteria: Invitae Variant Classification Sherloc (09022015). Collection method: clinical testing. Allele origin: germline.
Comment: For these reasons, this variant has been classified as Pathogenic. This variant disrupts a region of the KCNE1 protein in which other variant(s) (p.Asp76Asn) have been determined to be pathogenic (PMID: 9354783, 9354802, 9445165). This suggests that this is a clinically significant region of the protein, and that variants that disrupt it are likely to be disease-causing. This variant has not been reported in the literature in individuals affected with KCNE1-related conditions. This variant is not present in population databases (gnomAD no frequency). This sequence change creates a premature translational stop signal (Ser68Argfs*47) in the KCNE1 gene. While this is not anticipated to result in nonsense mediated decay, it is expected to disrupt the last 62 amino acid(s) of the KCNE1 protein.

Literature cited by the submitters: PubMed 9354783; PubMed 9354802; PubMed 9445165.